The following is an entry in ClinVar:

ClinVar aggregate classification (germline): Uncertain significance (1 of 4 stars; one submission).

Submission:

GeneDx
Classification: Uncertain significance. Last evaluated: 2026-09-30. Review status: criteria provided, single submitter. Criteria: GeneDx Variant Classification Process June 2021. Collection method: clinical testing. Allele origin: germline.
Comment: Not observed at significant frequency in large population cohorts (gnomAD); In silico analysis supports that this missense variant has a deleterious effect on protein structure/function; Has not been previously published as pathogenic or benign to our knowledge

NM_152296.5(ATP1A3):c.453C>G (p.Phe151Leu)

Gene: ATP1A3 (ATPase Na+/K+ transporting subunit alpha 3; minus strand). Cytogenetic location: 19q13.2.
Variant type: single nucleotide variant.
Coding change: c.453C>G on transcript NM_152296.5 (MANE Select); coding-DNA position 453, C replaced by G.
Protein change: p.Phe151Leu; replaces phenylalanine 151 with leucine.
Molecular consequence: missense variant.
Genome position (GRCh38, 1-based): chr19:41,986,134, G>C on the plus strand (C>G on the coding strand, the complement: ATP1A3 is on the minus strand). VCF-style: chr19-41986134-G-C. GRCh37 (hg19) VCF-style: chr19-42490286-G-C.
Other names: c.486C>G, p.Phe162Leu (NM_001256213.2); c.492C>G, p.Phe164Leu (NM_001256214.2); short protein forms F151L, F162L, F164L.
Identifiers: ClinVar variation 4888084 (VCV004888084.2).
Genomic context (GRCh38, chr19:41,986,134, plus strand): 5'-ACACTAACACCCCCGTCTGGCCCCTTGCTGGGCACCCTTCACCTGGGGCACCATGTTCTT[G>C]AAGGACTCCATGATCTTGGAGCTCTTGGCCTCCTGGTAGTAGGAGAAGCAGCCAGTGATG-3'
Protein context (NP_689509.1, residues 141-161): EAKSSKIMES[Phe151Leu]KNMVPQQALV